The following is an entry in ClinVar:

NM_001384474.1(LOXHD1):c.2771G>A (p.Arg924Gln)

Gene: LOXHD1 (lipoxygenase homology PLAT domains 1; minus strand). Cytogenetic location: 18q21.1.
Variant type: single nucleotide variant.
Coding change: c.2771G>A on transcript NM_001384474.1 (MANE Select); coding-DNA position 2771, G replaced by A.
Protein change: p.Arg924Gln; replaces arginine 924 with glutamine.
Molecular consequence: missense variant.
Genome position (GRCh38, 1-based): chr18:46,560,373, C>T on the plus strand (G>A on the coding strand, the complement: LOXHD1 is on the minus strand). VCF-style: chr18-46560373-C-T. GRCh37 (hg19) VCF-style: chr18-44140336-C-T.
Other names: c.2771G>A, p.Arg924Gln (NM_144612.7); short protein forms R924Q.
Identifiers: ClinVar variation 2145450 (VCV002145450.1), dbSNP rs140904207, ClinGen allele CA8952619.

ClinVar aggregate classification (germline): Uncertain significance (1 of 4 stars; one submission).

Allele frequency attached by ClinVar (database versions not stated): 1000 Genomes Project 30x 0.00016; 1000 Genomes Project 0.00020.
gnomAD v4.1: 76 of 1,552,578 alleles (0.0049%); highest among the groups gnomAD compares: Middle Eastern, 0.017%; no homozygotes.

Submission:

Labcorp Genetics (formerly Invitae), Labcorp
Classification: Uncertain significance. Last evaluated: 2022-06-24. Review status: criteria provided, single submitter. Criteria: Invitae Variant Classification Sherloc (09022015). Collection method: clinical testing. Allele origin: germline.
Comment: This sequence change replaces arginine, which is basic and polar, with glutamine, which is neutral and polar, at codon 924 of the LOXHD1 protein (p.Arg924Gln). This variant is present in population databases (rs140904207, gnomAD 0.08%). This variant has not been reported in the literature in individuals affected with LOXHD1-related conditions. Algorithms developed to predict the effect of missense changes on protein structure and function output the following: SIFT: "Deleterious"; PolyPhen-2: "Benign"; Align-GVGD: "Class C0". The glutamine amino acid residue is found in multiple mammalian species, which suggests that this missense change does not adversely affect protein function. In summary, the available evidence is currently insufficient to determine the role of this variant in disease. Therefore, it has been classified as a Variant of Uncertain Significance.